The following is an entry in ClinVar:

NM_003036.4(SKI):c.1321C>T (p.Arg441Trp)

Gene: SKI (SKI proto-oncogene; plus strand). Cytogenetic location: 1p36.32.
Variant type: single nucleotide variant.
Coding change: c.1321C>T on transcript NM_003036.4 (MANE Select); coding-DNA position 1321, C replaced by T.
Protein change: p.Arg441Trp; replaces arginine 441 with tryptophan.
Molecular consequence: missense variant.
Genome position (GRCh38, 1-based): chr1:2,303,949, C>T. VCF-style: chr1-2303949-C-T. GRCh37 (hg19) VCF-style: chr1-2235388-C-T.
Other names: short protein forms R441W.
Identifiers: ClinVar variation 647062 (VCV000647062.24), dbSNP rs201613746, ClinGen allele CA536674.
Genomic context (GRCh38, chr1:2,303,949, plus strand): 5'-CTCGCACCGCCGGCCCAGCAGAAGGTTGTGAGCAGCCCTCCGTGTGCCGCCGCCGTCTCC[C>T]GGGCCCCCGAGCCTCTCGCCACTTGCACCCAGCCTCGGAAGCGGAAGCTGACTGTGGACA-3'
Protein context (NP_003027.1, residues 431-451): SSPPCAAAVS[Arg441Trp]APEPLATCTQ

ClinVar aggregate classification (germline): Conflicting classifications of pathogenicity. Review status: criteria provided, conflicting classifications (1 of 4 stars). 7 submissions from 7 submitters: Uncertain significance (2); Likely benign (5). Last evaluated 2026-03-01.

Conditions:
Familial thoracic aortic aneurysm and aortic dissection (TAAD). Also called: Thoracic aortic aneurysms and dissections. Identifiers: Orphanet 91387, MedGen C4707243, MONDO:0019625.
SKI-related disorder. Also called: SKI-related condition.
Shprintzen-Goldberg syndrome (SGS). Also called: Marfanoid disorder with craniosynostosis type 1; Marfanoid craniosynostosis syndrome; Shprintzen-Goldberg marfanoid syndrome; SHPRINTZEN-GOLDBERG CRANIOSYNOSTOSIS SYNDROME; CRANIOSYNOSTOSIS WITH ARACHNODACTYLY AND ABDOMINAL HERNIAS. Identifiers: Orphanet 2462, MedGen C1321551, MONDO:0008426, OMIM 182212.

Allele frequency attached by ClinVar (database versions not stated): gnomAD exomes 0.00007 and 0.00020; ExAC 0.00021; gnomAD 0.00024 and 0.00025; TOPMed 0.00025; 1000 Genomes Project 0.00060; 1000 Genomes Project 30x 0.00078.
gnomAD v4.1: 136 of 1,611,714 alleles (0.0084%); highest among the groups gnomAD compares: Admixed American, 0.12%; 1 homozygote.

Submissions (7):

CeGaT Center for Human Genetics Tuebingen
Classification: Likely benign. Last evaluated: 2026-03-01. Review status: criteria provided, single submitter. Criteria: CeGaT Center For Human Genetics Tuebingen Variant Classification Criteria Version 2. Collection method: clinical testing. Allele origin: germline. Affected: yes. Observed: 1 variant allele.
Comment: SKI: BS1

Labcorp Genetics (formerly Invitae), Labcorp
Classification: Likely benign for Shprintzen-Goldberg syndrome. Last evaluated: 2025-12-16. Review status: criteria provided, single submitter. Criteria: Invitae Variant Classification Sherloc (09022015). Collection method: clinical testing. Allele origin: germline.

GeneDx
Classification: Uncertain significance. Last evaluated: 2025-10-20. Review status: criteria provided, single submitter. Criteria: GeneDx Variant Classification Process June 2021. Collection method: clinical testing. Allele origin: germline. Affected: yes.
Comment: Has not been previously published as pathogenic or benign to our knowledge; In silico analysis supports that this missense variant has a deleterious effect on protein structure/function

PreventionGenetics, part of Exact Sciences
Classification: Likely benign for SKI-related condition. Last evaluated: 2024-10-21. Review status: criteria provided, single submitter. Criteria: ACMG Guidelines, 2015. Collection method: clinical testing. Allele origin: germline.
Comment: This variant is classified as likely benign based on ACMG/AMP sequence variant interpretation guidelines (Richards et al. 2015 PMID: 25741868, with internal and published modifications).

Blueprint Genetics
Classification: Likely benign. Last evaluated: 2024-09-21. Review status: criteria provided, single submitter. Criteria: ACMG Guidelines, 2015. Collection method: clinical testing. Allele origin: germline.

Ambry Genetics
Classification: Likely benign for Familial thoracic aortic aneurysm and aortic dissection. Last evaluated: 2021-02-10. Review status: criteria provided, single submitter. Criteria: Ambry Variant Classification Scheme 2023. Collection method: clinical testing. Allele origin: germline.

Revvity Omics, Revvity
Classification: Uncertain significance for Shprintzen-Goldberg syndrome. Last evaluated: 2020-12-03. Review status: criteria provided, single submitter. Criteria: ACMG Guidelines, 2015. Collection method: clinical testing. Allele origin: germline.